The following is an entry in ClinVar:

ClinVar aggregate classification (germline): Benign/Likely benign. Review status: criteria provided, multiple submitters, no conflicts (2 of 4 stars). 12 submissions from 9 submitters: Benign (5); Likely benign (3). 4 of the submissions do not count toward it. Last evaluated 2026-01-12.

Conditions:
Autosomal recessive limb-girdle muscular dystrophy type 2J (LGMDR10). Also called: Limb-girdle muscular dystrophy, type 2J; MUSCULAR DYSTROPHY, LIMB-GIRDLE, AUTOSOMAL RECESSIVE 10. Identifiers: Orphanet 140922, MedGen C1837342, MONDO:0012127, OMIM 608807.
Tibial muscular dystrophy (TMD). Also called: Tibial muscular dystrophy, tardive; Udd Distal Myopathy – Tibial Muscular Dystrophy; UDD MYOPATHY. Identifiers: Orphanet 609, MedGen C1838244, MONDO:0010870, OMIM 600334.
Early-onset myopathy with fatal cardiomyopathy (CMYO5). Also called: Salih Myopathy; CONGENITAL MYOPATHY 5 WITH CARDIOMYOPATHY. Identifiers: Orphanet 289377, MedGen C2673677, MONDO:0012714, OMIM 611705. Disease mechanism: loss of function.
Myopathy, myofibrillar, 9, with early respiratory failure (MFM9). Also called: Hereditary myopathy with early respiratory failure; MYOPATHY, PROXIMAL, WITH EARLY RESPIRATORY MUSCLE INVOLVEMENT; Myopathy, distal, with early respiratory failure, autosomal dominant; EDSTROM MYOPATHY. Identifiers: Orphanet 178464, Orphanet 34521, MedGen C1863599, MONDO:0011362, OMIM 603689.
Dilated cardiomyopathy 1G (CMD1G). Identifiers: Orphanet 154, MedGen C1858763, MONDO:0011400, OMIM 604145.

Allele frequency attached by ClinVar (database versions not stated): gnomAD exomes 0.01666; ExAC 0.02351; 1000 Genomes Project 0.03295.

Submissions (12):

Labcorp Genetics (formerly Invitae), Labcorp
Classification: Likely benign for Dilated cardiomyopathy 1G; Autosomal recessive limb-girdle muscular dystrophy type 2J. Last evaluated: 2026-01-12. Review status: criteria provided, single submitter. Criteria: Invitae Variant Classification Sherloc (09022015). Collection method: clinical testing. Allele origin: germline.

Blueprint Genetics
Classification: Likely benign. Last evaluated: 2024-11-25. Review status: criteria provided, single submitter. Criteria: ACMG Guidelines, 2015. Collection method: clinical testing. Allele origin: germline.

Genome-Nilou Lab
Classification: Benign for Autosomal recessive limb-girdle muscular dystrophy type 2J. Last evaluated: 2021-09-10. Review status: criteria provided, single submitter. Criteria: ACMG Guidelines, 2015. Collection method: clinical testing. Allele origin: germline. Affected: no.

Genome-Nilou Lab
Classification: Benign for Myopathy, myofibrillar, 9, with early respiratory failure. Last evaluated: 2021-09-10. Review status: criteria provided, single submitter. Criteria: ACMG Guidelines, 2015. Collection method: clinical testing. Allele origin: germline. Affected: no.

Genome-Nilou Lab
Classification: Benign for Early-onset myopathy with fatal cardiomyopathy. Last evaluated: 2021-09-10. Review status: criteria provided, single submitter. Criteria: ACMG Guidelines, 2015. Collection method: clinical testing. Allele origin: germline. Affected: no.

Genome-Nilou Lab
Classification: Benign for Tibial muscular dystrophy. Last evaluated: 2021-09-10. Review status: criteria provided, single submitter. Criteria: ACMG Guidelines, 2015. Collection method: clinical testing. Allele origin: germline. Affected: no.

GeneDx
Classification: Benign. Last evaluated: 2018-06-14. Review status: criteria provided, single submitter. Criteria: GeneDx Variant Classification (06012015). Collection method: clinical testing. Allele origin: germline. Affected: yes.
Comment: This variant is considered likely benign or benign based on one or more of the following criteria: it is a conservative change, it occurs at a poorly conserved position in the protein, it is predicted to be benign by multiple in silico algorithms, and/or has population frequency not consistent with disease.

Breakthrough Genomics
Classification: Likely benign. Review status: criteria provided, single submitter. Criteria: ACMG Guidelines, 2015. Collection method: not provided. Allele origin: germline. Inheritance: Autosomal recessive inheritance. Affected: yes.

Clinical Genetics DNA and cytogenetics Diagnostics Lab, Erasmus MC, Erasmus Medical Center
Classification: Likely benign. Review status: no assertion criteria provided. Collection method: clinical testing. Allele origin: germline. Affected: yes. Study: VKGL Data-share Consensus. Not counted in ClinVar's aggregate classification.

Diagnostic Laboratory, Department of Genetics, University Medical Center Groningen
Classification: Likely benign. Review status: no assertion criteria provided. Collection method: clinical testing. Allele origin: germline. Affected: yes. Study: VKGL Data-share Consensus. Not counted in ClinVar's aggregate classification.

Joint Genome Diagnostic Labs from Nijmegen and Maastricht, Radboudumc and MUMC+
Classification: Benign. Review status: no assertion criteria provided. Collection method: clinical testing. Allele origin: germline. Affected: yes. Study: VKGL Data-share Consensus. Not counted in ClinVar's aggregate classification.

Laboratory of Diagnostic Genome Analysis, Leiden University Medical Center (LUMC)
Classification: Likely benign. Review status: no assertion criteria provided. Collection method: clinical testing. Allele origin: germline. Affected: yes. Study: VKGL Data-share Consensus. Not counted in ClinVar's aggregate classification.

NM_001267550.2(TTN):c.36855G>A (p.Pro12285=)

Gene: TTN (titin; minus strand). Cytogenetic location: 2q31.2.
Variant type: single nucleotide variant.
Coding change: c.36855G>A on transcript NM_001267550.2 (MANE Select); coding-DNA position 36855, G replaced by A.
Protein change: p.Pro12285=; no amino-acid change (proline 12285 retained).
Molecular consequence: synonymous variant. On other transcripts: intron variant (5).
Genome position (GRCh38, 1-based): chr2:178,662,748, C>T on the plus strand (G>A on the coding strand, the complement: TTN is on the minus strand). VCF-style: chr2-178662748-C-T. GRCh37 (hg19) VCF-style: chr2-179527475-C-T.
Other names: c.13283-20431G>A (NM_003319.4); c.13859-20431G>A (NM_133437.4); c.13658-20431G>A (NM_133432.3); c.31573+218G>A (NM_133378.4); c.34354+218G>A (NM_001256850.1).
Identifiers: ClinVar variation 238756 (VCV000238756.22), dbSNP rs535294541, ClinGen allele CA1997332.